The following is an entry in ClinVar:

ClinVar aggregate classification (germline): Uncertain significance (1 of 4 stars; one submission).

Conditions:
HNF1B-related disorder. Also called: HNF1B-related condition; HNF1B-related disorders.

Submission:

PreventionGenetics, part of Exact Sciences
Classification: Uncertain significance for HNF1B-related condition. Last evaluated: 2026-07-09. Review status: criteria provided, single submitter. Criteria: ACMG Guidelines, 2015. Collection method: clinical testing. Allele origin: germline.
Comment: The HNF1B c.1291C>A variant is predicted to result in the amino acid substitution p.His431Asn. To our knowledge, this variant has not been reported in the literature or in a large population database (gnomAD), indicating this variant is rare. At this time, the clinical significance of this variant is uncertain due to the absence of conclusive functional and genetic evidence.

NM_000458.4(HNF1B):c.*9C>A

Gene: HNF1B (HNF1 homeobox B; minus strand). Cytogenetic location: 17q12.
Variant type: single nucleotide variant.
Coding change: c.*9C>A on transcript NM_000458.4 (MANE Select); 9 bases downstream of the stop codon, C replaced by A.
Molecular consequence: 3 prime UTR variant. On other transcripts: missense variant (2).
Genome position (GRCh38, 1-based): chr17:37,687,363, G>T on the plus strand (C>A on the coding strand, the complement: HNF1B is on the minus strand). VCF-style: chr17-37687363-G-T. GRCh37 (hg19) VCF-style: chr17-36047366-G-T.
Other names: c.*9C>A (NM_001165923.4); c.1291C>A, p.His431Asn (NM_001304286.2); c.1564C>A, p.His522Asn (NM_001411100.1); short protein forms H522N, H431N.
Identifiers: ClinVar variation 4991725 (VCV004991725.1).